The following is an entry in ClinVar:

NM_020821.3(VPS13C):c.9065G>A (p.Trp3022Ter)

Gene: VPS13C (vacuolar protein sorting 13 homolog C; minus strand). Cytogenetic location: 15q22.2.
Variant type: single nucleotide variant.
Coding change: c.9065G>A on transcript NM_020821.3 (MANE Select); coding-DNA position 9065, G replaced by A.
Protein change: p.Trp3022Ter; replaces tryptophan 3022 with a stop codon.
Molecular consequence: nonsense.
Genome position (GRCh38, 1-based): chr15:61,907,304, C>T on the plus strand (G>A on the coding strand, the complement: VPS13C is on the minus strand). VCF-style: chr15-61907304-C-T. GRCh37 (hg19) VCF-style: chr15-62199503-C-T.
Other names: c.9065G>A, p.Trp3022Ter (NM_001018088.3); c.8936G>A, p.Trp2979Ter (NM_017684.5, NM_018080.4); short protein forms W2979*, W3022*.
Identifiers: ClinVar variation 4822544 (VCV004822544.4).

ClinVar aggregate classification (germline): Pathogenic (1 of 4 stars; one submission).

Submission:

CeGaT Center for Human Genetics Tuebingen
Classification: Pathogenic. Last evaluated: 2026-02-01. Review status: criteria provided, single submitter. Criteria: CeGaT Center For Human Genetics Tuebingen Variant Classification Criteria Version 2. Collection method: clinical testing. Allele origin: germline. Affected: yes. Observed: 1 variant allele.
Comment: VPS13C: PVS1, PM2